The following is an entry in ClinVar:

ClinVar aggregate classification (germline): Uncertain significance. Review status: criteria provided, multiple submitters, no conflicts (2 of 4 stars). 2 submissions from 2 submitters: Uncertain significance (2). Last evaluated 2025-02-19.

Conditions:
Inborn genetic diseases. Identifiers: MedGen C0950123, MeSH D030342.

Allele frequency attached by ClinVar (database versions not stated): gnomAD exomes 0.00001; TOPMed 0.00003; gnomAD 0.00004; ExAC 0.00005.
gnomAD v4.1: 27 of 1,613,742 alleles (0.0017%); highest among the groups gnomAD compares: Non-Finnish European, 0.0019%; no homozygotes.

Submissions (2):

Ambry Genetics
Classification: Uncertain significance for Inborn genetic diseases. Last evaluated: 2025-02-19. Review status: criteria provided, single submitter. Criteria: Ambry Variant Classification Scheme 2023. Collection method: clinical testing. Allele origin: germline.

Labcorp Genetics (formerly Invitae), Labcorp
Classification: Uncertain significance. Last evaluated: 2024-10-16. Review status: criteria provided, single submitter. Criteria: Invitae Variant Classification Sherloc (09022015). Collection method: clinical testing. Allele origin: germline.
Comment: This sequence change replaces glutamic acid, which is acidic and polar, with lysine, which is basic and polar, at codon 1240 of the ALPK1 protein (p.Glu1240Lys). This variant is present in population databases (rs752318650, gnomAD 0.004%). This variant has not been reported in the literature in individuals affected with ALPK1-related conditions. ClinVar contains an entry for this variant (Variation ID: 1907887). An algorithm developed to predict the effect of missense changes on protein structure and function outputs the following: PolyPhen-2: "Benign". The lysine amino acid residue is found in multiple mammalian species, which suggests that this missense change does not adversely affect protein function. In summary, the available evidence is currently insufficient to determine the role of this variant in disease. Therefore, it has been classified as a Variant of Uncertain Significance.

NM_025144.4(ALPK1):c.3718G>A (p.Glu1240Lys)

Gene: ALPK1 (alpha kinase 1; plus strand). Cytogenetic location: 4q25.
Variant type: single nucleotide variant.
Coding change: c.3718G>A on transcript NM_025144.4 (MANE Select); coding-DNA position 3718, G replaced by A.
Protein change: p.Glu1240Lys; replaces glutamic acid 1240 with lysine.
Molecular consequence: missense variant.
Genome position (GRCh38, 1-based): chr4:112,441,096, G>A. VCF-style: chr4-112441096-G-A. GRCh37 (hg19) VCF-style: chr4-113362252-G-A.
Other names: c.3718G>A, p.Glu1240Lys (NM_001102406.2); c.3484G>A, p.Glu1162Lys (NM_001253884.2); c.3718G>A (NM_025144.3); short protein forms E1240K, E1162K.
Identifiers: ClinVar variation 1907887 (VCV001907887.5), dbSNP rs752318650, ClinGen allele CA3047258.